The following is an entry in ClinVar:

ClinVar aggregate classification (germline): Uncertain significance. Review status: criteria provided, multiple submitters, no conflicts (2 of 4 stars). 4 submissions from 4 submitters: Uncertain significance (4). Last evaluated 2026-04-15.

Conditions:
Hereditary cancer-predisposing syndrome. Also called: Neoplastic Syndromes, Hereditary; Hereditary Cancer Syndrome; Tumor predisposition; Hereditary neoplastic syndrome. Identifiers: Orphanet 140162, MedGen C0027672, MeSH D009386, MONDO:0015356.
Ataxia-telangiectasia syndrome (AT). Also called: LOUIS-BAR SYNDROME; Cerebello-oculocutaneous telangiectasia; Immunodeficiency with ataxia telangiectasia; Ataxia-telangiectasia, complementation group D; AT, COMPLEMENTATION GROUP C; Ataxia-telangiectasia, complementation group E. Identifiers: Orphanet 100, MedGen C0004135, MONDO:0008840, OMIM 208900.

Allele frequency attached by ClinVar (database versions not stated): gnomAD exomes below 0.00001.
gnomAD v4.1: 2 of 1,600,844 alleles (0.00012%); highest among the groups gnomAD compares: Non-Finnish European, 0.00017%; no homozygotes.

Submissions (4):

Dasa
Classification: Uncertain significance. Last evaluated: 2026-04-15. Review status: criteria provided, single submitter. Criteria: DASA Assertion Criteria. Collection method: clinical testing. Allele origin: germline.
Comment: NM_000051.4(ATM):c.8419G>A (p.Glu2807Lys) is a missense variant that results in the substitution of glutamic acid with lysine. This variant is rare in population databases. Computational prediction algorithms are consistent with a deleterious effect. The currently available literature and clinical evidence are not sufficient to establish a definitive association between this variant and the reported condition. Therefore, this variant is classified as a variant of uncertain significance.

Labcorp Genetics (formerly Invitae), Labcorp
Classification: Uncertain significance for Ataxia-telangiectasia syndrome. Last evaluated: 2025-08-16. Review status: criteria provided, single submitter. Criteria: Invitae Variant Classification Sherloc (09022015). Collection method: clinical testing. Allele origin: germline.
Comment: This sequence change replaces glutamic acid, which is acidic and polar, with lysine, which is basic and polar, at codon 2807 of the ATM protein (p.Glu2807Lys). This variant is not present in population databases (gnomAD no frequency). This variant has not been reported in the literature in individuals affected with ATM-related conditions. ClinVar contains an entry for this variant (Variation ID: 481050). An algorithm developed to predict the effect of missense changes on protein structure and function (PolyPhen-2) suggests that this variant is likely to be tolerated. Algorithms developed to predict the effect of sequence changes on RNA splicing suggest that this variant may create or strengthen a splice site. In summary, the available evidence is currently insufficient to determine the role of this variant in disease. Therefore, it has been classified as a Variant of Uncertain Significance.

Color Diagnostics, LLC DBA Color Health
Classification: Uncertain significance for Hereditary cancer-predisposing syndrome. Last evaluated: 2021-08-04. Review status: criteria provided, single submitter. Criteria: ACMG Guidelines, 2015. Collection method: clinical testing. Allele origin: germline.
Comment: This missense variant replaces glutamic acid with lysine at codon 2807 of the ATM protein. Computational prediction suggests that this variant may not impact protein structure and function (internally defined REVEL score threshold <= 0.5, PMID: 27666373). Splice site prediction tools suggest that this variant may impact RNA splicing, although this prediction has not been confirmed in published RNA studies. To our knowledge, this variant has not been reported in individuals affected with hereditary cancer in the literature. This variant has not been identified in the general population by the Genome Aggregation Database (gnomAD). The available evidence is insufficient to determine the role of this variant in disease conclusively. Therefore, this variant is classified as a Variant of Uncertain Significance.

Ambry Genetics
Classification: Uncertain significance for Hereditary cancer-predisposing syndrome. Last evaluated: 2019-12-17. Review status: criteria provided, single submitter. Criteria: Ambry Variant Classification Scheme 2023. Collection method: clinical testing. Allele origin: germline.
Comment: The p.E2807K variant (also known as c.8419G>A) is located in coding exon 57 of the ATM gene. The glutamic acid at codon 2807 is replaced by lysine, an amino acid with similar properties. This change occurs in the first base pair of coding exon 57. This amino acid position is poorly conserved in available vertebrate species. In addition, this alteration is predicted to be tolerated by in silico analysis. Since supporting evidence is limited at this time, the clinical significance of this alteration remains unclear.

NM_000051.4(ATM):c.8419G>A (p.Glu2807Lys)

Genes: ATM (ATM serine/threonine kinase; plus strand), C11orf65 (chromosome 11 open reading frame 65; minus strand). Cytogenetic location: 11q22.3.
Variant type: single nucleotide variant.
Coding change: c.8419G>A on transcript NM_000051.4 (MANE Select); coding-DNA position 8419, G replaced by A.
Protein change: p.Glu2807Lys; replaces glutamic acid 2807 with lysine.
Molecular consequence: missense variant. On other transcripts: intron variant (2).
Genome position (GRCh38, 1-based): chr11:108,345,743, G>A. VCF-style: chr11-108345743-G-A. GRCh37 (hg19) VCF-style: chr11-108216470-G-A.
Other names: c.641-36672C>T (NM_001330368.2); c.695-10451C>T (NM_001351110.2); c.8419G>A, p.Glu2807Lys (NM_001351834.2); short protein forms E2807K.
Identifiers: ClinVar variation 481050 (VCV000481050.19), dbSNP rs1555137929, ClinGen allele CA382517709.